The following is an entry in ClinVar:

NM_003482.4(KMT2D):c.11076G>A (p.Leu3692=)

Gene: KMT2D (lysine methyltransferase 2D; minus strand). Cytogenetic location: 12q13.12.
Variant type: single nucleotide variant.
Coding change: c.11076G>A on transcript NM_003482.4 (MANE Select); coding-DNA position 11076, G replaced by A.
Protein change: p.Leu3692=; no amino-acid change (leucine 3692 retained).
Molecular consequence: synonymous variant.
Genome position (GRCh38, 1-based): chr12:49,033,629, C>T on the plus strand (G>A on the coding strand, the complement: KMT2D is on the minus strand). VCF-style: chr12-49033629-C-T. GRCh37 (hg19) VCF-style: chr12-49427412-C-T.
Identifiers: ClinVar variation 3037016 (VCV003037016.2), dbSNP rs1943066930, ClinGen allele CA479709259.

ClinVar aggregate classification (germline): Likely benign (0 of 4 stars; one submission).

Conditions:
KMT2D-related disorder. Also called: KMT2D-Related Disorders.

Submission:

PreventionGenetics, part of Exact Sciences
Classification: Likely benign for KMT2D-related condition. Last evaluated: 2023-02-09. Review status: no assertion criteria provided. Collection method: clinical testing. Allele origin: germline.
Comment: This variant is classified as likely benign based on ACMG/AMP sequence variant interpretation guidelines (Richards et al. 2015 PMID: 25741868, with internal and published modifications).